The following is an entry in ClinVar:

NM_006859.4(LIAS):c.884-60T>A

Gene: LIAS (lipoic acid synthetase; plus strand). Cytogenetic location: 4p14.
Variant type: single nucleotide variant.
Coding change: c.884-60T>A on transcript NM_006859.4 (MANE Select); 60 bases into the intron before coding-DNA position 884, T replaced by A.
Molecular consequence: intron variant.
Genome position (GRCh38, 1-based): chr4:39,471,176, T>A. VCF-style: chr4-39471176-T-A. GRCh37 (hg19) VCF-style: chr4-39472796-T-A.
Other names: c.884-60T>A (NM_194451.3); c.755-60T>A (NM_001278590.2); c.575-60T>A (NM_001363700.2).
Identifiers: ClinVar variation 670681 (VCV000670681.2), dbSNP rs73137454, ClinGen allele CA95731943.

ClinVar aggregate classification (germline): Benign. Review status: criteria provided, multiple submitters, no conflicts (2 of 4 stars). 2 submissions from 2 submitters: Benign (2). Last evaluated 2018-06-19.

Allele frequency attached by ClinVar (database versions not stated): 1000 Genomes Project 0.05851; 1000 Genomes Project 30x 0.06043; gnomAD exomes 0.06314; ESP Exome Variant Server 0.07140; gnomAD 0.07827 and 0.08193; TOPMed 0.08075.
gnomAD v4.1: 82,459 of 1,268,072 alleles (6.5%); highest among the groups gnomAD compares: African/African-American, 13%; 3,084 homozygotes.

Submissions (2):

GeneDx
Classification: Benign. Last evaluated: 2018-06-19. Review status: criteria provided, single submitter. Criteria: GeneDx Variant Classification (06012015). Collection method: clinical testing. Allele origin: germline. Affected: yes.
Comment: This variant is considered likely benign or benign based on one or more of the following criteria: it is a conservative change, it occurs at a poorly conserved position in the protein, it is predicted to be benign by multiple in silico algorithms, and/or has population frequency not consistent with disease.

Breakthrough Genomics
Classification: Benign. Review status: criteria provided, single submitter. Criteria: ACMG Guidelines, 2015. Collection method: not provided. Allele origin: germline. Inheritance: Autosomal recessive inheritance. Affected: yes.